The following is an entry in ClinVar:

ClinVar aggregate classification (germline): Uncertain significance (1 of 4 stars; one submission).

Conditions:
Myoclonic dystonia 11 (DYT11). Also called: DYT-SGCE; Myoclonic dystonia; Dystonia 11; Dystonia, alcohol responsive; Hereditary essential myoclonus; SGCE Myoclonus-Dystonia. Identifiers: Orphanet 36899, MedGen C1834570, MONDO:0008044, OMIM 159900.

Submission:

Labcorp Genetics (formerly Invitae), Labcorp
Classification: Uncertain significance for Myoclonic dystonia 11. Last evaluated: 2020-02-22. Review status: criteria provided, single submitter. Criteria: Invitae Variant Classification Sherloc (09022015). Collection method: clinical testing. Allele origin: germline.
Comment: In summary, the available evidence is currently insufficient to determine the role of this variant in disease. Therefore, it has been classified as a Variant of Uncertain Significance. Algorithms developed to predict the effect of missense changes on protein structure and function are either unavailable or do not agree on the potential impact of this missense change (SIFT: "Deleterious"; PolyPhen-2: "Possibly Damaging"; Align-GVGD: "Class C0"). This variant is not present in population databases (ExAC no frequency). This variant has not been reported in the literature in individuals with SGCE-related conditions. This sequence change replaces tyrosine with serine at codon 314 of the SGCE protein (p.Tyr314Ser). The tyrosine residue is moderately conserved and there is a large physicochemical difference between tyrosine and serine.

NM_003919.3(SGCE):c.941A>C (p.Tyr314Ser)

Genes: CASD1 (CAS1 domain sialic acid O acetyltransferase 1; plus strand), SGCE (sarcoglycan epsilon; minus strand). Cytogenetic location: 7q21.3.
Variant type: single nucleotide variant.
Coding change: c.941A>C on transcript NM_003919.3 (MANE Select); coding-DNA position 941, A replaced by C.
Protein change: p.Tyr314Ser; replaces tyrosine 314 with serine.
Molecular consequence: missense variant.
Genome position (GRCh38, 1-based): chr7:94,600,742, T>G on the plus strand (A>C on the coding strand, the complement: SGCE is on the minus strand). VCF-style: chr7-94600742-T-G. GRCh37 (hg19) VCF-style: chr7-94230054-T-G.
Other names: c.941A>C, p.Tyr314Ser (NM_001099400.2, NM_001099401.2, NM_001346717.2); c.818A>C, p.Tyr273Ser (NM_001301139.2, NM_001362809.2); c.1049A>C, p.Tyr350Ser (NM_001346713.2, NM_001346715.2); c.854A>C, p.Tyr285Ser (NM_001346719.2, NM_001362807.2); c.668A>C, p.Tyr223Ser (NM_001346720.2, NM_001362808.2); short protein forms Y350S, Y223S, Y285S, Y314S, Y273S.
Identifiers: ClinVar variation 944514 (VCV000944514.9), dbSNP rs1799081982, ClinGen allele CA368230784.